The following is an entry in ClinVar:

ClinVar aggregate classification (germline): Benign (0 of 4 stars; one submission).

Conditions:
SPNS2-related disorder. Also called: SPNS2-related condition.

Allele frequency attached by ClinVar (database versions not stated): gnomAD exomes 0.00061; ExAC 0.00179; ESP Exome Variant Server 0.00486; gnomAD 0.00522; 1000 Genomes Project 0.00539; 1000 Genomes Project 30x 0.00593; TOPMed 0.00601.
gnomAD v4.1: 1,733 of 1,613,134 alleles (0.11%); highest among the groups gnomAD compares: African/African-American, 1.8%; 15 homozygotes.

Submission:

PreventionGenetics, part of Exact Sciences
Classification: Benign for SPNS2-related condition. Last evaluated: 2019-12-23. Review status: no assertion criteria provided. Collection method: clinical testing. Allele origin: germline.
Comment: This variant is classified as benign based on ACMG/AMP sequence variant interpretation guidelines (Richards et al. 2015 PMID: 25741868, with internal and published modifications).

NM_001124758.3(SPNS2):c.966G>A (p.Thr322=)

Gene: SPNS2 (SPNS lysolipid transporter 2, sphingosine-1-phosphate; plus strand). Cytogenetic location: 17p13.2.
Variant type: single nucleotide variant.
Coding change: c.966G>A on transcript NM_001124758.3 (MANE Select); coding-DNA position 966, G replaced by A.
Protein change: p.Thr322=; no amino-acid change (threonine 322 retained).
Molecular consequence: synonymous variant.
Genome position (GRCh38, 1-based): chr17:4,533,007, G>A. VCF-style: chr17-4533007-G-A. GRCh37 (hg19) VCF-style: chr17-4436302-G-A.
Identifiers: ClinVar variation 3038936 (VCV003038936.2), dbSNP rs61733345, ClinGen allele CA8303107.
Genomic context (GRCh38, chr17:4,533,007, plus strand): 5'-GCTCAGTGTCACTGCCTGGCCTCTCCCCAGCCGCAGCTACGTCTTCTCCTCCCTGGCCAC[G>A]TCGGCTGTCTCCTTCGCCACGGGGGCCCTGGGCATGTGGATCCCGCTCTACCTGCACCGC-3'
Protein context (NP_001118230.1, residues 312-332): NRSYVFSSLA[Thr322=]SAVSFATGAL